The following is an entry in ClinVar:

ClinVar aggregate classification (germline): Likely pathogenic (1 of 4 stars; one submission).

Conditions:
Asphyxiating thoracic dystrophy 3. Also called: POLYDACTYLY WITH NEONATAL CHONDRODYSTROPHY, TYPE I; SHORT-RIB THORACIC DYSPLASIA 3 WITH OR WITHOUT POLYDACTYLY; SHORT-RIB THORACIC DYSPLASIA 3/6 WITH POLYDACTYLY, DIGENIC; Saldino-Noonan Syndrome; Short rib polydactyly syndrome 2B. Identifiers: Orphanet 474, Orphanet 93269, Orphanet 93270, Orphanet 93271, MedGen C0036069, MONDO:0013127, OMIM 613091.

gnomAD v4.1: 2 of 1,509,802 alleles (0.00013%); highest among the groups gnomAD compares: Non-Finnish European, 0.00018%; no homozygotes.

Submission:

Myriad Genetics, Inc.
Classification: Likely pathogenic for Asphyxiating thoracic dystrophy 3. Last evaluated: 2026-08-19. Review status: criteria provided, single submitter. Criteria: Myriad Autosomal Dominant, Autosomal Recessive and X-Linked Classification Criteria (2023). Collection method: clinical testing. Allele origin: unknown.
Comment: NM_001377.2(DYNC2H1):c.8694+1G>A is a variant in a canonical splice site classified as likely pathogenic in the context of DYNC2H1-related disorders. c.8694+1G>A has not been observed in cases with relevant disease. Relevant functional assessments of this variant are not available in the literature. c.8694+1G>A has not been observed in referenced population frequency databases. In summary, NM_001377.2(DYNC2H1):c.8694+1G>A is a variant in a canonical splice site in a gene where loss of function is a known mechanism of disease and is predicted to disrupt protein function. Please note: this variant was assessed in the context of healthy population screening.

NM_001377.3(DYNC2H1):c.8694+1G>A

Gene: DYNC2H1 (dynein cytoplasmic 2 heavy chain 1; plus strand). Cytogenetic location: 11q22.3.
Variant type: single nucleotide variant.
Coding change: c.8694+1G>A on transcript NM_001377.3 (MANE Select); the canonical splice donor site of the intron after coding-DNA position 8694, G replaced by A.
Molecular consequence: splice donor variant.
Genome position (GRCh38, 1-based): chr11:103,211,944, G>A. VCF-style: chr11-103211944-G-A. GRCh37 (hg19) VCF-style: chr11-103082673-G-A.
Other names: c.8694+1G>A (NM_001080463.2).
Identifiers: ClinVar variation 5004855 (VCV005004855.1).
Genomic context (GRCh38, chr11:103,211,944, plus strand): 5'-TATTCTGCCATTAGTAGTAGCAAGAAAAAGGAATTATTAAAAAGACAAAGTCATTTGCAG[G>A]TATAGTATTGGTAATCTTGAATTATTTTATCTATATATAGGAAACAAGAGTTTTGTAAAT-3'